The following is an entry in ClinVar:

ClinVar aggregate classification (germline): Uncertain significance. Review status: reviewed by expert panel (3 of 4 stars). 14 submissions from 14 submitters: Uncertain significance (1). 13 of the submissions do not count toward it. Last evaluated 2025-09-09.

Conditions:
Cardiovascular phenotype. Identifiers: MedGen CN230736.
Glycogen storage disease, type II (IOPD). Also called: CARDIOMEGALIA GLYCOGENICA DIFFUSA; GLYCOGENOSIS, GENERALIZED, CARDIAC FORM; GSD II; Glucosidase acid-1,4-alpha deficiency; POMPE DISEASE, INFANTILE-ONSET; GLYCOGEN STORAGE DISEASE II, INFANTILE-ONSET. Identifiers: Orphanet 365, MedGen C0017921, MONDO:0009290, OMIM 232300.

Allele frequency attached by ClinVar (database versions not stated): 1000 Genomes Project 30x 0.00016; 1000 Genomes Project 0.00020; ExAC 0.00021; TOPMed 0.00061; ESP Exome Variant Server 0.00069.
gnomAD v4.1: 166 of 1,594,726 alleles (0.01%); highest among the groups gnomAD compares: African/African-American, 0.17%; no homozygotes.

Submissions (14):

ClinGen Lysosomal Storage Disorder Variant Curation Expert Panel
Classification: Uncertain significance for Glycogen storage disease, type II. Last evaluated: 2025-09-09. Review status: reviewed by expert panel. Criteria: clingen_lsd_acmg_specifications_v2-1. Collection method: curation. Allele origin: germline. Inheritance: Autosomal recessive inheritance.
Comment: The NM_000152.5:c.688G>A variant in GAA is a missense variant predicted to result in the substitution of valine by methionine at amino acid 230 (p.Val230Met). The highest population minor allele frequency in gnomAD v4.1.0. is 0.001748 (131/74928 alleles) in the African/African American population, which is higher than the ClinGen LD VCEP threshold (<0.001) for PM2_Supporting, and lower than the threshold (>0.005) for BS1. Therefore none of the population data criteria are met. The computational predictor REVEL gives a score of 0.482 which is below the threshold of 0.5, evidence that does not predict a damaging effect on GAA function. No impact on splicing is predicted by SpliceAI (BP4). To our knowledge, this variant has not been reported in the literature in individuals with Pompe disease, and the results of experimental studies are not available. There is a ClinVar entry for this variant (Variation ID: 196222). In summary, this variant meets the criteria to be classified as a variant of uncertain significance for Pompe disease. GAA-specific ACMG/AMP criteria applied, as specified by the ClinGen Lysosomal Diseases VCEP (Specifications Version 2.0): BP4. (Classification approved by the ClinGen Lysosomal Diseases VCEP, Sept. 9, 2025).

Labcorp Genetics (formerly Invitae), Labcorp
Classification: Likely benign for Glycogen storage disease, type II. Last evaluated: 2026-01-11. Review status: criteria provided, single submitter. Criteria: Invitae Variant Classification Sherloc (09022015). Collection method: clinical testing. Allele origin: germline. Not counted in ClinVar's aggregate classification.

GeneDx
Classification: Uncertain significance. Last evaluated: 2025-09-10. Review status: criteria provided, single submitter. Criteria: GeneDx Variant Classification Process June 2021. Collection method: clinical testing. Allele origin: germline. Affected: yes. Not counted in ClinVar's aggregate classification.
Comment: In silico analysis suggests that this missense variant does not alter protein structure/function; Has not been previously published as pathogenic or benign to our knowledge; This variant is associated with the following publications: (PMID: 9425285, 7603530, 19343043, 22253258)

Myriad Genetics, Inc.
Classification: Uncertain significance for Glycogen storage disease, type II. Last evaluated: 2025-07-25. Review status: criteria provided, single submitter. Criteria: Myriad Autosomal Dominant, Autosomal Recessive and X-Linked Classification Criteria (2023). Collection method: clinical testing. Allele origin: unknown. Not counted in ClinVar's aggregate classification.
Comment: NM_000152.3(GAA):c.688G>A(V230M) is a missense variant classified as a variant of uncertain significance in the context of Pompe disease. V230M has been observed in a case with relevant disease (PMID: 39678382). Relevant functional assessments of this variant are not available in the literature. V230M has been observed in referenced population frequency databases. In summary, there is insufficient evidence to classify NM_000152.3(GAA):c.688G>A(V230M) as pathogenic or benign. Please note: this variant was assessed in the context of healthy population screening.

Revvity Omics, Revvity
Classification: Uncertain significance. Last evaluated: 2025-05-16. Review status: criteria provided, single submitter. Criteria: ACMG Guidelines, 2015. Collection method: clinical testing. Allele origin: germline. Not counted in ClinVar's aggregate classification.

Blueprint Genetics
Classification: Uncertain significance. Last evaluated: 2024-07-02. Review status: criteria provided, single submitter. Criteria: ACMG Guidelines, 2015. Collection method: clinical testing. Allele origin: germline. Not counted in ClinVar's aggregate classification.

Mayo Clinic Laboratories, Mayo Clinic
Classification: Uncertain significance. Last evaluated: 2023-07-28. Review status: criteria provided, single submitter. Criteria: ACMG Guidelines, 2015. Collection method: clinical testing. Allele origin: germline. Observed: 1 variant allele. Not counted in ClinVar's aggregate classification.

Fulgent Genetics
Classification: Uncertain significance for Glycogen storage disease, type II. Last evaluated: 2021-08-17. Review status: criteria provided, single submitter. Criteria: ACMG Guidelines, 2015. Collection method: clinical testing. Allele origin: unknown. Not counted in ClinVar's aggregate classification.

Eurofins Ntd Llc (ga)
Classification: Uncertain significance. Last evaluated: 2018-08-02. Review status: criteria provided, single submitter. Criteria: EGL ClinVar v180209 classification definitions. Collection method: clinical testing. Allele origin: germline. Observed: 3 variant alleles, 3 heterozygotes. Not counted in ClinVar's aggregate classification.

Stanford Center for Inherited Cardiovascular Disease, Stanford University
Classification: Uncertain significance. Last evaluated: 2018-02-06. Review status: criteria provided, single submitter. Criteria: ACMG Guidelines, 2015. Collection method: provider interpretation. Allele origin: germline. Not counted in ClinVar's aggregate classification.

Department of Pathology and Laboratory Medicine, Sinai Health System
Classification: Uncertain significance for Glycogen storage disease, type II. Last evaluated: 2015-12-29. Review status: criteria provided, single submitter. Criteria: ACMG Guidelines, 2015. Collection method: clinical testing. Allele origin: germline. Not counted in ClinVar's aggregate classification.

Ambry Genetics
Classification: Uncertain significance for Cardiovascular phenotype. Last evaluated: 2015-12-22. Review status: criteria provided, single submitter. Criteria: Ambry Variant Classification Scheme 2023. Collection method: clinical testing. Allele origin: germline. Not counted in ClinVar's aggregate classification.
Comment: The p.V230M variant (also known as c.688G>A), located in coding exon 2 of the GAA gene, results from a G to A substitution at nucleotide position 688. The valine at codon 230 is replaced by methionine, an amino acid with highly similar properties. This amino acid position is highly conserved in available vertebrate species. In addition, the in silico prediction for this alteration is inconclusive. Since supporting evidence is limited at this time, the clinical significance of this alteration remains unclear.

Genetic Services Laboratory, University of Chicago
Classification: Uncertain significance. Last evaluated: 2015-03-09. Review status: criteria provided, single submitter. Criteria: ACMG Guidelines, 2015. Collection method: clinical testing. Allele origin: germline. Not counted in ClinVar's aggregate classification.

Natera, Inc.
Classification: Uncertain significance for Glycogen storage disease type II. Last evaluated: 2020-01-17. Review status: no assertion criteria provided. Collection method: clinical testing. Allele origin: germline. Not counted in ClinVar's aggregate classification.

Literature cited by the submitters: PubMed 39678382 (cited by Myriad Genetics, Inc.).

NM_000152.5(GAA):c.688G>A (p.Val230Met)

Gene: GAA (alpha glucosidase; plus strand). Cytogenetic location: 17q25.3.
Variant type: single nucleotide variant.
Coding change: c.688G>A on transcript NM_000152.5 (MANE Select); coding-DNA position 688, G replaced by A.
Protein change: p.Val230Met; replaces valine 230 with methionine.
Molecular consequence: missense variant.
Genome position (GRCh38, 1-based): chr17:80,105,890, G>A. VCF-style: chr17-80105890-G-A. GRCh37 (hg19) VCF-style: chr17-78079689-G-A.
Other names: c.688G>A (LRG_673t1); c.688G>A, p.Val230Met (NM_001079803.3, NM_001079804.3); short protein forms V230M.
Identifiers: ClinVar variation 196222 (VCV000196222.42), dbSNP rs145866792, ClinGen allele CA207869.